The following is an entry in ClinVar:

ClinVar aggregate classification (germline): Pathogenic/Likely pathogenic. Review status: criteria provided, multiple submitters, no conflicts (2 of 4 stars). 6 submissions from 6 submitters: Pathogenic (2); Likely pathogenic (3). 1 of the submissions does not count toward it. Last evaluated 2025-03-04.

Conditions:
Ullrich congenital muscular dystrophy 1B (UCMD1B). Identifiers: MedGen C5935582, MONDO:0958235, OMIM 620727.
Bethlem myopathy 1A. Also called: MYOPATHY, BENIGN CONGENITAL, WITH CONTRACTURES; Bethlem Muscular Dystrophy; Bethlem myopathy 1. Identifiers: Orphanet 610, MedGen CN029274, MONDO:0024530, OMIM 158810.

Allele frequency attached by ClinVar (database versions not stated): gnomAD exomes 0.00001 and below 0.00001.
gnomAD v4.1: 4 of 1,611,126 alleles (0.00025%); highest among the groups gnomAD compares: South Asian, 0.0044%; no homozygotes.

Submissions (6):

Labcorp Genetics (formerly Invitae), Labcorp
Classification: Pathogenic for Bethlem myopathy 1A. Last evaluated: 2025-03-04. Review status: criteria provided, single submitter. Criteria: Invitae Variant Classification Sherloc (09022015). Collection method: clinical testing. Allele origin: germline.
Comment: This sequence change replaces cysteine, which is neutral and slightly polar, with arginine, which is basic and polar, at codon 777 of the COL6A2 protein (p.Cys777Arg). This variant is present in population databases (rs267606747, gnomAD 0.003%). This missense change has been observed in individuals with autosomal recessive Ullrich congenital muscular dystrophy (PMID: 15689448, 19564581, 22075033, 23940025). ClinVar contains an entry for this variant (Variation ID: 17166). Invitae Evidence Modeling of protein sequence and biophysical properties (such as structural, functional, and spatial information, amino acid conservation, physicochemical variation, residue mobility, and thermodynamic stability) indicates that this missense variant is expected to disrupt COL6A2 protein function with a positive predictive value of 80%. For these reasons, this variant has been classified as Pathogenic.

Revvity Omics, Revvity
Classification: Likely pathogenic. Last evaluated: 2024-06-11. Review status: criteria provided, single submitter. Criteria: ACMG Guidelines, 2015. Collection method: clinical testing. Allele origin: germline.

3billion
Classification: Likely pathogenic for Bethlem myopathy 1A. Last evaluated: 2023-08-16. Review status: criteria provided, single submitter. Criteria: ACMG Guidelines, 2015. Collection method: clinical testing. Allele origin: germline. Affected: yes.
Comment: The variant is observed at an extremely low frequency in the gnomAD v2.1.1 dataset (total allele frequency: 0.000%). Predicted Consequence/Location: Missense variant In silico tool predictions suggest damaging effect of the variant on gene or gene product [REVEL: 0.76 (>=0.6, sensitivity 0.68 and specificity 0.92)]. Same nucleotide change resulting in same amino acid change has been previously reported as pathogenic/likely pathogenic with strong evidence (ClinVar ID: VCV000017166 /PMID: 15689448). Therefore, this variant is classified as Likely pathogenic according to the recommendation of ACMG/AMP guideline.

Genomic Research Center, Shahid Beheshti University of Medical Sciences
Classification: Likely pathogenic for Bethlem myopathy 1. Last evaluated: 2019-01-01. Review status: criteria provided, single submitter. Criteria: ACMG Guidelines, 2015. Collection method: clinical testing. Allele origin: inherited. Affected: yes. Observed: 1 variant allele.

CeGaT Center for Human Genetics Tuebingen
Classification: Pathogenic. Last evaluated: 2017-03-01. Review status: criteria provided, single submitter. Criteria: CeGaT Center For Human Genetics Tuebingen Variant Classification Criteria Version 2. Collection method: clinical testing. Allele origin: germline. Affected: yes. Observed: 1 variant allele.

OMIM
Classification: Pathogenic for ULLRICH CONGENITAL MUSCULAR DYSTROPHY 1B, AUTOSOMAL RECESSIVE. Last evaluated: 2009-07-07. Review status: no assertion criteria provided. Collection method: literature only. Allele origin: germline. Not counted in ClinVar's aggregate classification.

Literature cited by the submitters: PubMed 15689448 (cited by Labcorp Genetics (formerly Invitae), Labcorp and 3billion); PubMed 19564581 (cited by Labcorp Genetics (formerly Invitae), Labcorp and OMIM); PubMed 22075033 (cited by Labcorp Genetics (formerly Invitae), Labcorp); PubMed 23940025 (cited by Labcorp Genetics (formerly Invitae), Labcorp).

NM_001849.4(COL6A2):c.2329T>C (p.Cys777Arg)

Gene: COL6A2 (collagen type VI alpha 2 chain; plus strand). Cytogenetic location: 21q22.3.
Variant type: single nucleotide variant.
Coding change: c.2329T>C on transcript NM_001849.4 (MANE Select); coding-DNA position 2329, T replaced by C.
Protein change: p.Cys777Arg; replaces cysteine 777 with arginine.
Molecular consequence: missense variant.
Genome position (GRCh38, 1-based): chr21:46,126,144, T>C. VCF-style: chr21-46126144-T-C. GRCh37 (hg19) VCF-style: chr21-47546058-T-C.
Other names: c.2329T>C, p.Cys777Arg (NM_058174.3, NM_058175.3); short protein forms C777R.
Identifiers: ClinVar variation 17166 (VCV000017166.57), dbSNP rs267606747, ClinGen allele CA257728.
Genomic context (GRCh38, chr21:46,126,144, plus strand): 5'-ATCGGCATCGGGGACATGTTCCACGAGAAGCACGAGAGTGAAAACCTCTACTCCATCGCC[T>C]GCGACAAGCCACAGCAGGTGCGCAACATGACGCTGTTCTCCGACCTGGTCGCTGAGAAGT-3'
Protein context (NP_001840.3, residues 767-787): HESENLYSIA[Cys777Arg]DKPQQVRNMT